The following is an entry in ClinVar:

ClinVar aggregate classification (germline): Uncertain significance. Review status: criteria provided, multiple submitters, no conflicts (2 of 4 stars). 2 submissions from 2 submitters: Uncertain significance (2). Last evaluated 2024-06-18.

Conditions:
Neurofibromatosis, type 1 (NF1). Also called: Peripheral type neurofibromatosis; VON RECKLINGHAUSEN DISEASE; Neurofibromatosis, type I; NEUROFIBROMATOSIS, TYPE I, SOMATIC. Identifiers: Orphanet 636, MedGen C0027831, MONDO:0018975, OMIM 162200. Disease mechanism: loss of function.

Submissions (2):

Blueprint Genetics
Classification: Uncertain significance. Last evaluated: 2024-06-18. Review status: criteria provided, single submitter. Criteria: ACMG Guidelines, 2015. Collection method: clinical testing. Allele origin: germline.

Labcorp Genetics (formerly Invitae), Labcorp
Classification: Uncertain significance for Neurofibromatosis, type 1. Last evaluated: 2019-12-30. Review status: criteria provided, single submitter. Criteria: Invitae Variant Classification Sherloc (09022015). Collection method: clinical testing. Allele origin: germline.
Comment: Algorithms developed to predict the effect of missense changes on protein structure and function (SIFT, PolyPhen-2, Align-GVGD) all suggest that this variant is likely to be tolerated, but these predictions have not been confirmed by published functional studies and their clinical significance is uncertain. In summary, the available evidence is currently insufficient to determine the role of this variant in disease. Therefore, it has been classified as a Variant of Uncertain Significance. This variant has not been reported in the literature in individuals with NF1-related conditions. This sequence change replaces threonine with serine at codon 2729 of the NF1 protein (p.Thr2729Ser). The threonine residue is weakly conserved and there is a small physicochemical difference between threonine and serine. This variant is not present in population databases (ExAC no frequency).

NM_001042492.3(NF1):c.8249C>G (p.Thr2750Ser)

Gene: NF1 (neurofibromin 1; plus strand). Cytogenetic location: 17q11.2.
Variant type: single nucleotide variant.
Coding change: c.8249C>G on transcript NM_001042492.3 (MANE Select); coding-DNA position 8249, C replaced by G.
Protein change: p.Thr2750Ser; replaces threonine 2750 with serine.
Molecular consequence: missense variant.
Genome position (GRCh38, 1-based): chr17:31,360,575, C>G. VCF-style: chr17-31360575-C-G. GRCh37 (hg19) VCF-style: chr17-29687593-C-G.
Other names: c.8186C>G, p.Thr2729Ser (NM_000267.4); short protein forms T2750S, T2729S.
Identifiers: ClinVar variation 845540 (VCV000845540.9), dbSNP rs2070374835, ClinGen allele CA399204674.
Genomic context (GRCh38, chr17:31,360,575, plus strand): 5'-TTATTGTTAAGTTTCTTGATGCCTTGATTGACACGTACCTGCCTGGAATTGATGAAGAAA[C>G]CAGTGAAGAATCCCTCCTGACTCCCACATCTCCTTACCCTCCTGCACTGCAGAGCCAGCT-3'
Protein context (NP_001035957.1, residues 2740-2760): DTYLPGIDEE[Thr2750Ser]SEESLLTPTS